The following is an entry in ClinVar:

ClinVar aggregate classification (germline): Pathogenic (1 of 4 stars; one submission).

Conditions:
Cardiovascular phenotype. Identifiers: MedGen CN230736.

Submission:

Ambry Genetics
Classification: Pathogenic for Cardiovascular phenotype. Last evaluated: 2017-10-31. Review status: criteria provided, single submitter. Criteria: Ambry Variant Classification Scheme 2023. Collection method: clinical testing. Allele origin: germline.
Comment: The c.1424dupG pathogenic mutation, located in coding exon 12 of the JAG1 gene, results from a duplication of G at nucleotide position 1424, causing a translational frameshift with a predicted alternate stop codon (p.C475Wfs*11). This alteration is expected to result in loss of function by premature protein truncation or nonsense-mediated mRNA decay. As such, this alteration is interpreted as a disease-causing mutation.

NM_000214.3(JAG1):c.1424dup (p.Cys475fs)

Gene: JAG1 (jagged canonical Notch ligand 1; minus strand). Cytogenetic location: 20p12.2.
Variant type: Duplication.
Coding change: c.1424dup on transcript NM_000214.3 (MANE Select); coding-DNA position 1424, one base duplicated (G; older notation c.1424dupG).
Protein change: p.Cys475fs; shifts the reading frame from cysteine 475.
Molecular consequence: frameshift variant.
Genome position (GRCh38, 1-based): chr20:10,648,694, C duplicated on the plus strand (G on the coding strand, the reverse complement: JAG1 is on the minus strand). VCF-style (leftmost placement, unchanged base first): chr20-10648693-A-AC. GRCh37 (hg19) VCF-style: chr20-10629341-A-AC.
Other names: short protein forms C475fs.
Identifiers: ClinVar variation 1772335 (VCV001772335.2), dbSNP rs2514517294, ClinGen allele CA2580097903.